The following is an entry in ClinVar:

NM_000218.3(KCNQ1):c.1394-9510C>T

Genes: KCNQ1 (potassium voltage-gated channel subfamily Q member 1; plus strand), KCNQ1OT1 (KCNQ1 opposite strand/antisense transcript 1; minus strand). Cytogenetic location: 11p15.5.
Variant type: single nucleotide variant.
Coding change: c.1394-9510C>T on transcript NM_000218.3 (MANE Select); 9510 bases into the intron before coding-DNA position 1394, C replaced by T.
Molecular consequence: intron variant. On other transcripts: non-coding transcript variant (1).
Genome position (GRCh38, 1-based): chr11:2,652,451, C>T. VCF-style: chr11-2652451-C-T. GRCh37 (hg19) VCF-style: chr11-2673681-C-T.
Other names: c.1124-9510C>T (NM_001406837.1); c.1298-9510C>T (NM_001406836.1); c.854-9510C>T (NM_001406838.1); c.1013-9510C>T (NM_181798.2).
Identifiers: ClinVar variation 3037454 (VCV003037454.2), dbSNP rs231348, ClinGen allele CA216164138.
Genomic context (GRCh38, chr11:2,652,451, plus strand): 5'-AACATTTTTTTCTTCCTGTGTAATTTTGTCTTGAAAATCAAGGCCACTTTTTTGTTTTCT[C>T]CATCCAAAGACCTCCAGAAACTTTCCTCCCCACCTCTCCAGAGGTTTCTGGGGAATGTCC-3'

ClinVar aggregate classification (germline): Benign (0 of 4 stars; one submission).

Conditions:
KCNQ1-related disorder. Also called: KCNQ1-related condition; KCNQ1-related disorders. Identifiers: MedGen CN239322.

Allele frequency attached by ClinVar (database versions not stated): gnomAD 0.11298; TOPMed 0.11306; 1000 Genomes Project 0.11542; 1000 Genomes Project 30x 0.11602; gnomAD exomes 0.11790.
gnomAD v4.1: 46,220 of 398,406 alleles (12%); highest among the groups gnomAD compares: Middle Eastern, 16%; 2,811 homozygotes.

Submission:

PreventionGenetics, part of Exact Sciences
Classification: Benign for KCNQ1-related condition. Last evaluated: 2019-09-22. Review status: no assertion criteria provided. Collection method: clinical testing. Allele origin: germline.
Comment: This variant is classified as benign based on ACMG/AMP sequence variant interpretation guidelines (Richards et al. 2015 PMID: 25741868, with internal and published modifications).